The following is an entry in ClinVar:

ClinVar aggregate classification (germline): Uncertain significance (1 of 4 stars; one submission).

gnomAD v4.1: 1 of 1,613,714 alleles (0.000062%); highest among the groups gnomAD compares: Non-Finnish European, 0.000085%; no homozygotes.

Submission:

GeneDx
Classification: Uncertain significance. Last evaluated: 2022-02-12. Review status: criteria provided, single submitter. Criteria: GeneDx Variant Classification Process June 2021. Collection method: clinical testing. Allele origin: germline. Affected: yes.
Comment: Not observed at significant frequency in large population cohorts (gnomAD); In silico analysis supports that this missense variant has a deleterious effect on protein structure/function; Has not been previously published as pathogenic or benign to our knowledge; Variants in candidate genes are classified as variants of uncertain significance in accordance with ACMG guidelines (Richards et al., 2015)

NM_001281775.3(ZMYND8):c.730T>C (p.Cys244Arg)

Gene: ZMYND8 (zinc finger MYND-type containing 8; minus strand). Cytogenetic location: 20q13.12.
Variant type: single nucleotide variant.
Coding change: c.730T>C on transcript NM_001281775.3 (MANE Select); coding-DNA position 730, T replaced by C.
Protein change: p.Cys244Arg; replaces cysteine 244 with arginine.
Molecular consequence: missense variant. On other transcripts: 5 prime UTR variant (2).
Genome position (GRCh38, 1-based): chr20:47,290,205, A>G on the plus strand (T>C on the coding strand, the complement: ZMYND8 is on the minus strand). VCF-style: chr20-47290205-A-G. GRCh37 (hg19) VCF-style: chr20-45918949-A-G.
Other names: c.655T>C, p.Cys219Arg (NM_001281771.3, NM_001281777.3, NM_001281778.3 and 4 more transcripts); c.670T>C, p.Cys224Arg (NM_001281772.3, NM_001281773.3, NM_001281774.3 and 1 more transcripts); c.730T>C, p.Cys244Arg (NM_001281776.3, NM_001281783.3, NM_012408.6 and 1 more transcripts); c.-206T>C (NM_001281779.3, NM_001281780.3); c.751T>C, p.Cys251Arg (NM_001363714.1); short protein forms C219R, C224R, C244R, C251R.
Identifiers: ClinVar variation 1700853 (VCV001700853.2), dbSNP rs2147957176, ClinGen allele CA409279789.